The following is an entry in ClinVar:

ClinVar aggregate classification (germline): Benign. Review status: criteria provided, multiple submitters, no conflicts (2 of 4 stars). 6 submissions from 6 submitters: Benign (3). 3 of the submissions do not count toward it. Last evaluated 2026-02-01.

Conditions:
Bardet-Biedl syndrome 15 (BBS15). Identifiers: Orphanet 110, MedGen C3150127, MONDO:0014443, OMIM 615992.
Bardet-Biedl syndrome (BBS). Identifiers: Orphanet 110, MedGen C0752166, MONDO:0015229.

Allele frequency attached by ClinVar (database versions not stated): gnomAD 0.00003 and 0.00102; TOPMed 0.00014; gnomAD exomes 0.00382; ExAC 0.00415; 1000 Genomes Project 30x 0.00671; 1000 Genomes Project 0.00819.
gnomAD v4.1: 2,846 of 1,609,200 alleles (0.18%); highest among the groups gnomAD compares: South Asian, 2.8%; 68 homozygotes.

Submissions (6):

Labcorp Genetics (formerly Invitae), Labcorp
Classification: Benign for Bardet-Biedl syndrome. Last evaluated: 2026-02-01. Review status: criteria provided, single submitter. Criteria: Invitae Variant Classification Sherloc (09022015). Collection method: clinical testing. Allele origin: germline.

Illumina Laboratory Services, Illumina
Classification: Benign for Bardet-Biedl syndrome 15. Last evaluated: 2018-01-12. Review status: criteria provided, single submitter. Criteria: ICSL Variant Classification Criteria 13 December 2019. Collection method: clinical testing. Allele origin: germline.
Comment: This variant was observed in the ICSL laboratory as part of a predisposition screen in an ostensibly healthy population. It had not been previously curated by ICSL or reported in the Human Gene Mutation Database (HGMD: prior to June 1st, 2018), and was therefore a candidate for classification through an automated scoring system. Utilizing variant allele frequency, disease prevalence and penetrance estimates, and inheritance mode, an automated score was calculated to assess if this variant is too frequent to cause the disease. Based on the score and internal cut-off values, a variant classified as benign is not then subjected to further curation. The score for this variant resulted in a classification of benign for this disease.

PreventionGenetics, part of Exact Sciences
Classification: Benign. Review status: criteria provided, single submitter. Criteria: ACMG Guidelines, 2015. Collection method: clinical testing. Allele origin: germline.

Clinical Genetics DNA and cytogenetics Diagnostics Lab, Erasmus MC, Erasmus Medical Center
Classification: Likely benign. Review status: no assertion criteria provided. Collection method: clinical testing. Allele origin: germline. Affected: yes. Study: VKGL Data-share Consensus. Not counted in ClinVar's aggregate classification.

Clinical Genetics, Academic Medical Center
Classification: Likely benign. Review status: no assertion criteria provided. Collection method: clinical testing. Allele origin: germline. Affected: yes. Study: VKGL Data-share Consensus. Not counted in ClinVar's aggregate classification.

Genome Diagnostics Laboratory, University Medical Center Utrecht
Classification: Benign. Review status: no assertion criteria provided. Collection method: clinical testing. Allele origin: germline. Affected: yes. Study: VKGL Data-share Consensus. Not counted in ClinVar's aggregate classification.

NM_015910.7(WDPCP):c.76-15T>A

Gene: WDPCP (WD repeat containing planar cell polarity effector; minus strand). Cytogenetic location: 2p15.
Variant type: single nucleotide variant.
Coding change: c.76-15T>A on transcript NM_015910.7 (MANE Select); 15 bases into the intron before coding-DNA position 76, T replaced by A.
Molecular consequence: intron variant.
Genome position (GRCh38, 1-based): chr2:63,492,955, A>T on the plus strand (T>A on the coding strand, the complement: WDPCP is on the minus strand). VCF-style: chr2-63492955-A-T. GRCh37 (hg19) VCF-style: chr2-63720089-A-T.
Other names: c.4-15T>A (NM_001354044.2); c.76-15T>A (NM_001354045.2).
Identifiers: ClinVar variation 260682 (VCV000260682.17), dbSNP rs200557033, ClinGen allele CA1682622.